The following is an entry in ClinVar:

ClinVar aggregate classification (germline): Uncertain significance. Review status: criteria provided, multiple submitters, no conflicts (2 of 4 stars). 2 submissions from 2 submitters: Uncertain significance (2). Last evaluated 2025-03-04.

Allele frequency attached by ClinVar (database versions not stated): TOPMed below 0.00001.

Submissions (2):

Center for Genomic Medicine, Rigshospitalet, Copenhagen University Hospital
Classification: Uncertain significance. Last evaluated: 2025-03-04. Review status: criteria provided, single submitter. Criteria: ACMG Guidelines, 2015. Collection method: clinical testing. Allele origin: germline.

Ambry Genetics
Classification: Uncertain significance. Last evaluated: 2024-01-30. Review status: criteria provided, single submitter. Criteria: Ambry Variant Classification Scheme 2023. Collection method: clinical testing. Allele origin: germline.
Comment: The p.E401G variant (also known as c.1202A>G), located in coding exon 9 of the RECQL gene, results from an A to G substitution at nucleotide position 1202. The glutamic acid at codon 401 is replaced by glycine, an amino acid with similar properties. This amino acid position is highly conserved in available vertebrate species. In addition, this alteration is predicted to be deleterious by in silico analysis. The evidence for this gene-disease relationship is limited; therefore, the clinical significance of this alteration is unclear.

Literature cited by the submitters: PubMed 25945795 (cited by Center for Genomic Medicine, Rigshospitalet, Copenhagen University Hospital); PubMed 33471991 (cited by Center for Genomic Medicine, Rigshospitalet, Copenhagen University Hospital).

NM_002907.4(RECQL):c.1202A>G (p.Glu401Gly)

Gene: RECQL (RecQ like helicase; minus strand). Cytogenetic location: 12p12.1.
Variant type: single nucleotide variant.
Coding change: c.1202A>G on transcript NM_002907.4 (MANE Select); coding-DNA position 1202, A replaced by G.
Protein change: p.Glu401Gly; replaces glutamic acid 401 with glycine.
Molecular consequence: missense variant.
Genome position (GRCh38, 1-based): chr12:21,475,482, T>C on the plus strand (A>G on the coding strand, the complement: RECQL is on the minus strand). VCF-style: chr12-21475482-T-C. GRCh37 (hg19) VCF-style: chr12-21628416-T-C.
Other names: c.1202A>G, p.Glu401Gly (NM_032941.3); short protein forms E401G.
Identifiers: ClinVar variation 3222927 (VCV003222927.2), dbSNP rs1943066726, ClinGen allele CA384119233.
Genomic context (GRCh38, chr12:21,475,482, plus strand): 5'-GGAAAAGCTTTCTAAAAATTTACTTCTGGATTTGAGTCCTACATACCTGCACGTCCACTC[T>C]CTTGGTAATAATTTTCCATGGATTTACTCATTGAATGATGGATAACAAACCTCACATCTG-3'
Protein context (NP_002898.2, residues 391-411): MSKSMENYYQ[Glu401Gly]SGRAGRDDMK